The following is an entry in ClinVar:

NM_000388.4(CASR):c.973G>C (p.Gly325Arg)

Gene: CASR (calcium sensing receptor; plus strand). Cytogenetic location: 3q21.1.
Variant type: single nucleotide variant.
Coding change: c.973G>C on transcript NM_000388.4 (MANE Select); coding-DNA position 973, G replaced by C.
Protein change: p.Gly325Arg; replaces glycine 325 with arginine.
Molecular consequence: missense variant.
Genome position (GRCh38, 1-based): chr3:122,262,008, G>C. VCF-style: chr3-122262008-G-C. GRCh37 (hg19) VCF-style: chr3-121980855-G-C.
Other names: c.973G>C, p.Gly325Arg (NM_001178065.2); short protein forms G325R.
Identifiers: ClinVar variation 1350658 (VCV001350658.8), dbSNP rs778100486, ClinGen allele CA2569569.
Genomic context (GRCh38, chr3:122,262,008, plus strand): 5'-ATCGCCATGCCTCAGTACTTCCACGTGGTTGGCGGCACCATTGGATTCGCTCTGAAGGCT[G>C]GGCAGATCCCAGGCTTCCGGGAATTCCTGAAGAAGGTCCATCCCAGGAAGTCTGTCCACA-3'
Protein context (NP_000379.3, residues 315-335): GGTIGFALKA[Gly325Arg]QIPGFREFLK

ClinVar aggregate classification (germline): Uncertain significance (1 of 4 stars; one submission).

Conditions:
Familial hypocalciuric hypercalcemia (FHH). Also called: Familial benign hypercalcemia. Identifiers: Orphanet 405, MedGen C1809471, MONDO:0018458.
Autosomal dominant hypocalcemia 1 (HYPOC1). Also called: HYPOCALCEMIA, FAMILIAL. Identifiers: MedGen C3715128, MONDO:0011013, OMIM 601198.

Allele frequency attached by ClinVar (database versions not stated): gnomAD exomes below 0.00001 and 0.00001; ExAC 0.00001.
gnomAD v4.1: 3 of 1,614,200 alleles (0.00019%); highest among the groups gnomAD compares: Non-Finnish European, 0.00025%; no homozygotes.

Submission:

Labcorp Genetics (formerly Invitae), Labcorp
Classification: Uncertain significance for Familial hypocalciuric hypercalcemia; Autosomal dominant hypocalcemia 1. Last evaluated: 2022-10-04. Review status: criteria provided, single submitter. Criteria: Invitae Variant Classification Sherloc (09022015). Collection method: clinical testing. Allele origin: germline.
Comment: In summary, the available evidence is currently insufficient to determine the role of this variant in disease. Therefore, it has been classified as a Variant of Uncertain Significance. Algorithms developed to predict the effect of missense changes on protein structure and function (SIFT, PolyPhen-2, Align-GVGD) all suggest that this variant is likely to be disruptive. ClinVar contains an entry for this variant (Variation ID: 1350658). This variant has not been reported in the literature in individuals affected with CASR-related conditions. This variant is present in population databases (rs778100486, gnomAD 0.0009%). This sequence change replaces glycine, which is neutral and non-polar, with arginine, which is basic and polar, at codon 325 of the CASR protein (p.Gly325Arg).